The following is an entry in ClinVar:

NM_000138.5(FBN1):c.5532dup (p.Gly1845fs)

Gene: FBN1 (fibrillin 1; minus strand). Cytogenetic location: 15q21.1.
Variant type: Duplication.
Coding change: c.5532dup on transcript NM_000138.5 (MANE Select); coding-DNA position 5532, one base duplicated (A; older notation c.5532dupA).
Protein change: p.Gly1845fs; shifts the reading frame from glycine 1845.
Molecular consequence: frameshift variant.
Genome position (GRCh38, 1-based): chr15:48,452,575, T duplicated on the plus strand (A on the coding strand, the reverse complement: FBN1 is on the minus strand). VCF-style (leftmost placement, unchanged base first): chr15-48452574-C-CT. GRCh37 (hg19) VCF-style: chr15-48744771-C-CT.
Other names: c.5532dup, p.Gly1845fs (NM_001406716.1); short protein forms G1845fs.
Identifiers: ClinVar variation 3757048 (VCV003757048.2).

ClinVar aggregate classification (germline): Pathogenic (1 of 4 stars; one submission).

Conditions:
Marfan syndrome (MFS). Also called: MARFAN SYNDROME, TYPE I; Marfan syndrome type 1; Marfan's syndrome; Marfan syndrome, classic; FBN1-Related Marfan Syndrome. Identifiers: Orphanet 284963, Orphanet 558, MedGen C0024796, MONDO:0007947, OMIM 154700.
Familial thoracic aortic aneurysm and aortic dissection (TAAD). Also called: Thoracic aortic aneurysms and dissections. Identifiers: Orphanet 91387, MedGen C4707243, MONDO:0019625.

Submission:

Labcorp Genetics (formerly Invitae), Labcorp
Classification: Pathogenic for Marfan syndrome; Familial thoracic aortic aneurysm and aortic dissection. Last evaluated: 2024-07-08. Review status: criteria provided, single submitter. Criteria: Invitae Variant Classification Sherloc (09022015). Collection method: clinical testing. Allele origin: germline.
Comment: This sequence change creates a premature translational stop signal (p.Gly1845Argfs*5) in the FBN1 gene. It is expected to result in an absent or disrupted protein product. Loss-of-function variants in FBN1 are known to be pathogenic (PMID: 17657824, 19293843). This variant is not present in population databases (gnomAD no frequency). This variant has not been reported in the literature in individuals affected with FBN1-related conditions. For these reasons, this variant has been classified as Pathogenic.

Literature cited by the submitters: PubMed 17657824; PubMed 19293843.